The following is an entry in ClinVar:

NM_007294.4(BRCA1):c.389_391delinsTCT (p.Tyr130_Arg131delinsPheTer)

Gene: BRCA1 (BRCA1 DNA repair associated; minus strand). Cytogenetic location: 17q21.31.
Variant type: Indel.
Coding change: c.389_391delinsTCT on transcript NM_007294.4 (MANE Select); coding-DNA positions 389 to 391, ACA replaced by TCT.
Protein change: p.Tyr130_Arg131delinsPheTer.
Molecular consequence: nonsense. On other transcripts: non-coding transcript variant (1).
Genome position (GRCh38, 1-based): chr17:43,104,172-43,104,174, TGT replaced by AGA on the plus strand (ACA replaced by TCT on the coding strand, the reverse complement: BRCA1 is on the minus strand). VCF-style: chr17-43104172-TGT-AGA. GRCh37 (hg19) VCF-style: chr17-41256189-TGT-AGA.
Other names: c.8_10delACAinsTCT, p.Tyr3_Arg4delinsPheTer (NM_001407959.1, NM_001407960.1, NM_001407962.1 and 4 more transcripts); c.248_250delACAinsTCT, p.Tyr83_Arg84delinsPheTer (NM_001407964.1, NM_001408410.1, NM_001408452.1 and 98 more transcripts); c.389_391delACAinsTCT, p.Tyr130_Arg131delinsPheTer (NM_001407968.1, NM_001407969.1, NM_001407970.1 and 163 more transcripts); c.380_382delACAinsTCT, p.Tyr127_Arg128delinsPheTer (NM_001408408.1, NM_001407646.1, NM_001407647.1); c.311_313delACAinsTCT, p.Tyr104_Arg105delinsPheTer (NM_001408409.1, NM_001408411.1, NM_001408412.1 and 21 more transcripts); c.257_259delACAinsTCT, p.Tyr86_Arg87delinsPheTer (NM_001408451.1); c.179_181delACAinsTCT, p.Tyr60_Arg61delinsPheTer (NM_001408478.1, NM_001408479.1, NM_001408480.1 and 58 more transcripts); c.248_250delinsTCT, p.Tyr83_Arg84delinsPheTer (NM_007297.4); and 1 more.
Identifiers: ClinVar variation 418066 (VCV000418066.13), dbSNP rs1064793054, ClinGen allele CA16620446.

ClinVar aggregate classification (germline): Pathogenic. Review status: criteria provided, multiple submitters, no conflicts (2 of 4 stars). 5 submissions from 5 submitters: Pathogenic (5). Last evaluated 2024-12-03.

Conditions:
Hereditary cancer-predisposing syndrome. Also called: Neoplastic Syndromes, Hereditary; Hereditary neoplastic syndrome; Tumor predisposition; Hereditary Cancer Syndrome. Identifiers: Orphanet 140162, MedGen C0027672, MeSH D009386, MONDO:0015356.
Hereditary breast ovarian cancer syndrome. Also called: Hereditary breast and ovarian cancer syndrome (HBOC); BRCA1- and BRCA2-Associated Hereditary Breast and Ovarian Cancer; Hereditary breast and/or ovarian cancer syndrome; Hereditary breast and ovarian cancer syndrome; Hereditary breast and ovarian cancer; Breast and ovarian cancer. Identifiers: Orphanet 145, MedGen C0677776, MeSH D061325, MONDO:0003582. Disease mechanism: loss of function.
Fanconi anemia, complementation group S (FANCS). Identifiers: MedGen C4554406, MONDO:0054748, OMIM 617883.
Breast-ovarian cancer, familial, susceptibility to, 1 (BROVCA1). Also called: BRCA1 Hereditary Breast and Ovarian Cancer; OVARIAN CANCER, SUSCEPTIBILITY TO. Identifiers: Orphanet 145, MedGen C2676676, MONDO:0011450, OMIM 604370. Disease mechanism: loss of function.
Pancreatic cancer, susceptibility to, 4. Identifiers: Orphanet 1333, MedGen C3280442, MONDO:0013685, OMIM 614320.

Submissions (5):

Ambry Genetics
Classification: Pathogenic for Hereditary cancer-predisposing syndrome. Last evaluated: 2024-12-03. Review status: criteria provided, single submitter. Criteria: Ambry Variant Classification Scheme 2023. Collection method: clinical testing. Allele origin: germline.
Comment: The c.389_391delACAinsTCT pathogenic mutation (also known as p.Y130_R131delinsF*), located in coding exon 5 of the BRCA1 gene, results from an in-frame deletion of ACA and insertion of TCT at nucleotide positions 389 to 391. This results in the substitution of the tyrosine and arginine residues at codons 130 to 131 for a phenylalanine residue and a premature stop codon. This variant is considered to be rare based on population cohorts in the Genome Aggregation Database (gnomAD). This alteration is expected to result in loss of function by premature protein truncation or nonsense-mediated mRNA decay. As such, this alteration is interpreted as a disease-causing mutation.

Color Diagnostics, LLC DBA Color Health
Classification: Pathogenic for Hereditary cancer-predisposing syndrome. Last evaluated: 2024-09-30. Review status: criteria provided, single submitter. Criteria: ACMG Guidelines, 2015. Collection method: clinical testing. Allele origin: germline.
Comment: This variant changes 1 nucleotide in exon 6 of the BRCA1 gene, creating a premature translation stop signal. This variant is expected to result in an absent or non-functional protein product. To our knowledge, this variant has not been reported in individuals affected with BRCA1-related disorders in the literature. This variant has not been identified in the general population by the Genome Aggregation Database (gnomAD). Loss of BRCA1 function is a known mechanism of disease. Based on the available evidence, this variant is classified as Pathogenic.

Fulgent Genetics
Classification: Pathogenic for Breast-ovarian cancer, familial, susceptibility to, 1; Pancreatic cancer, susceptibility to, 4; Fanconi anemia, complementation group S. Last evaluated: 2024-03-28. Review status: criteria provided, single submitter. Criteria: ACMG Guidelines, 2015. Collection method: clinical testing. Allele origin: germline.

Women's Health and Genetics/Laboratory Corporation of America, LabCorp
Classification: Pathogenic for Hereditary breast and ovarian cancer syndrome. Last evaluated: 2018-07-30. Review status: criteria provided, single submitter. Criteria: LabCorp Variant Classification Summary - May 2015. Collection method: clinical testing. Allele origin: germline.
Comment: Variant summary: BRCA1 c.389_391delinsTCT (p.Tyr130_Arg131delinsPheX) results in a premature termination codon, predicted to cause a truncation of the encoded protein or absence of the protein due to nonsense mediated decay, which are commonly known mechanisms for disease. Truncations downstream of this position have been classified as pathogenic by our laboratory (eg. p.E143*, p.E149*, and p.Q155*). The variant was absent in 246248 control chromosomes (gnomAD). To our knowledge, no occurrence of c.389_391delinsTCT as a single variant in individuals affected with Hereditary Breast and Ovarian Cancer has been reported, but p.Y130F and p.R131X have been reported in two affected unrelated individuals (BIC database). Two clinical diagnostic laboratories have submitted clinical-significance assessments for this variant to ClinVar after 2014 without evidence for independent evaluation and classified the variant as pathogenic. Based on the evidence outlined above, the variant was classified as pathogenic.

GeneDx
Classification: Pathogenic. Last evaluated: 2016-12-08. Review status: criteria provided, single submitter. Criteria: GeneDx Variant Classification (06012015). Collection method: clinical testing. Allele origin: germline. Affected: yes.
Comment: This variant is denoted BRCA1 c.389_391delACAinsTCT at the cDNA level and p.Tyr130PhefsX2(Y130FfsX2) at the protein level. This variant could also be described as BRCA1 Tyr130_Arg131delinsPheTer(Y130_R131delinsFX), as well as BRCA1 508_510delACAinsTCT using alternate nomenclature. The normalsequence, with the bases that are deleted and inserted in brackets, is GGCT[delACA][insTCT]GAAA. This deletion andinsertion results in the replacement of adjacent Tyrosine and Arginine residues with a Phenylalanine residue and apremature stop codon, and is predicted to cause loss of normal protein function through either protein truncation ornonsense-mediated mRNA decay. Although this variant has not, to our knowledge, been reported in the literature, it isconsidered pathogenic.